The following is an entry in ClinVar:

NM_000153.4(GALC):c.-327G>T

Gene: GALC (galactosylceramidase; minus strand). Cytogenetic location: 14q31.3.
Variant type: single nucleotide variant.
Coding change: c.-327G>T on transcript NM_000153.4 (MANE Select); 327 bases upstream of the start codon, G replaced by T.
Molecular consequence: genic upstream transcript variant. On other transcripts: synonymous variant (1).
Genome position (GRCh38, 1-based): chr14:87,993,491, C>A on the plus strand (G>T on the coding strand, the complement: GALC is on the minus strand). VCF-style: chr14-87993491-C-A. GRCh37 (hg19) VCF-style: chr14-88459835-C-A.
Other names: c.9G>T, p.Gly3= (NM_001201402.2).
Identifiers: ClinVar variation 374669 (VCV000374669.50), dbSNP rs185943390, ClinGen allele CA7297559.
Genomic context (GRCh38, chr14:87,993,491, plus strand): 5'-AAGGTGGATTCCAAGGTCCGCCAAAGGAAGAGGGCCATGAGTGGCCCTACCATGGCTCTT[C>A]CCCAGCATCTCAGGGAGTATCTACCTCGTGCGAGGACCAGGCTTGGACACCAGGTCCCGA-3'

ClinVar aggregate classification (germline): Conflicting classifications of pathogenicity. Review status: criteria provided, conflicting classifications (1 of 4 stars). 5 submissions from 5 submitters: Uncertain significance (2); Likely benign (2). 1 of the submissions does not count toward it. Last evaluated 2026-04-01.

Conditions:
Galactosylceramide beta-galactosidase deficiency. Also called: Krabbe Disease; Leukodystrophy, Globoid Cell; GALACTOCEREBROSIDASE DEFICIENCY; GALC DEFICIENCY; GLOBOID CELL LEUKOENCEPHALOPATHY. Identifiers: Orphanet 487, MedGen C0023521, MONDO:0009499, OMIM 245200.

Allele frequency attached by ClinVar (database versions not stated): 1000 Genomes Project 0.00060; 1000 Genomes Project 30x 0.00078; gnomAD 0.00119 and 0.00120; ExAC 0.00129; gnomAD exomes 0.00130; TOPMed 0.00152.
gnomAD v4.1: 2,207 of 1,535,102 alleles (0.14%); highest among the groups gnomAD compares: Middle Eastern, 0.35%; 5 homozygotes.

Submissions (5):

CeGaT Center for Human Genetics Tuebingen
Classification: Likely benign. Last evaluated: 2026-04-01. Review status: criteria provided, single submitter. Criteria: CeGaT Center For Human Genetics Tuebingen Variant Classification Criteria Version 2. Collection method: clinical testing. Allele origin: germline. Affected: yes. Observed: 12 variant alleles.
Comment: GALC: BP4, BP7

Blueprint Genetics
Classification: Likely benign. Last evaluated: 2024-11-22. Review status: criteria provided, single submitter. Criteria: ACMG Guidelines, 2015. Collection method: clinical testing. Allele origin: germline.

GeneDx
Classification: Uncertain significance. Last evaluated: 2021-03-11. Review status: criteria provided, single submitter. Criteria: GeneDx Variant Classification Process June 2021. Collection method: clinical testing. Allele origin: germline. Affected: yes.
Comment: Has not been previously published as pathogenic or benign to our knowledge; In silico analysis, which includes splice predictors and evolutionary conservation, suggests this variant may impact gene splicing. In the absence of RNA/functional studies, the actual effect of this sequence change is unknown

Fulgent Genetics
Classification: Uncertain significance for Galactosylceramide beta-galactosidase deficiency. Last evaluated: 2018-10-31. Review status: criteria provided, single submitter. Criteria: ACMG Guidelines, 2015. Collection method: clinical testing. Allele origin: unknown.

Natera, Inc.
Classification: Uncertain significance for Galactosylceramide beta-galactosidase deficiency. Last evaluated: 2019-11-11. Review status: no assertion criteria provided. Collection method: clinical testing. Allele origin: germline. Not counted in ClinVar's aggregate classification.